The following is an entry in ClinVar:

ClinVar aggregate classification (germline): Uncertain significance. Review status: criteria provided, multiple submitters, no conflicts (2 of 4 stars). 2 submissions from 2 submitters: Uncertain significance (2). Last evaluated 2021-09-19.

Conditions:
Neuropathy, hereditary sensory and autonomic, type 2A (HSAN2A). Also called: ACROOSTEOLYSIS, GIACCAI TYPE; ACROOSTEOLYSIS, NEUROGENIC; MORVAN DISEASE; NEUROPATHY, CONGENITAL SENSORY; NEUROPATHY, HEREDITARY SENSORY RADICULAR, AUTOSOMAL RECESSIVE; NEUROPATHY, HEREDITARY SENSORY, TYPE IIA. Identifiers: Orphanet 970, MedGen C2752089, MONDO:0024309, OMIM 201300.
Pseudohypoaldosteronism type 2C (PHA2C). Also called: Pseudohypoaldosteronism Type IIC. Identifiers: Orphanet 757, Orphanet 88940, MedGen C1840391, MONDO:0013778, OMIM 614492.

Allele frequency attached by ClinVar (database versions not stated): gnomAD exomes below 0.00001; TOPMed below 0.00001; gnomAD 0.00001.
gnomAD v4.1: 7 of 1,536,008 alleles (0.00046%); highest among the groups gnomAD compares: African/African-American, 0.0014%; no homozygotes.

Submissions (2):

Fulgent Genetics
Classification: Uncertain significance for Neuropathy, hereditary sensory and autonomic, type 2A; Pseudohypoaldosteronism type 2C. Last evaluated: 2021-09-19. Review status: criteria provided, single submitter. Criteria: ACMG Guidelines, 2015. Collection method: clinical testing. Allele origin: unknown.

Labcorp Genetics (formerly Invitae), Labcorp
Classification: Uncertain significance for Neuropathy, hereditary sensory and autonomic, type 2A; Pseudohypoaldosteronism type 2C. Last evaluated: 2021-08-24. Review status: criteria provided, single submitter. Criteria: Invitae Variant Classification Sherloc (09022015). Collection method: clinical testing. Allele origin: germline.
Comment: This sequence change replaces phenylalanine with serine at codon 764 of the WNK1 protein (p.Phe764Ser). The phenylalanine residue is weakly conserved and there is a large physicochemical difference between phenylalanine and serine. The frequency data for this variant in the population databases is considered unreliable, as metrics indicate insufficient coverage at this position in the ExAC database. This variant has not been reported in the literature in individuals affected with WNK1-related conditions. Advanced modeling of protein sequence and biophysical properties (such as structural, functional, and spatial information, amino acid conservation, physicochemical variation, residue mobility, and thermodynamic stability) performed at Invitae indicates that this missense variant is not expected to disrupt WNK1 protein function. In summary, the available evidence is currently insufficient to determine the role of this variant in disease. Therefore, it has been classified as a Variant of Uncertain Significance.

NM_213655.5(WNK1):c.2291T>C (p.Phe764Ser)

Gene: WNK1 (WNK lysine deficient protein kinase 1; plus strand). Cytogenetic location: 12p13.33.
Variant type: single nucleotide variant.
Coding change: c.2291T>C on transcript NM_213655.5 (MANE Plus Clinical); coding-DNA position 2291, T replaced by C.
Protein change: p.Phe764Ser; replaces phenylalanine 764 with serine.
Molecular consequence: missense variant. On other transcripts: intron variant (3).
Genome position (GRCh38, 1-based): chr12:865,261, T>C. VCF-style: chr12-865261-T-C. GRCh37 (hg19) VCF-style: chr12-974427-T-C.
Other names: c.2140-2605T>C (NM_001184985.2); c.2139+2991T>C (NM_018979.4, NM_014823.3); short protein forms F764S.
Identifiers: ClinVar variation 1464779 (VCV001464779.7), dbSNP rs1218729720, ClinGen allele CA383337730.